The following is an entry in ClinVar:

NM_005654.6(NR2F1):c.425G>A (p.Arg142His)

Genes: NR2F1-AS1 (NR2F1 regulatory antisense RNA 1; minus strand), NR2F1 (nuclear receptor subfamily 2 group F member 1; plus strand). Cytogenetic location: 5q15.
Variant type: single nucleotide variant.
Coding change: c.425G>A on transcript NM_005654.6 (MANE Select); coding-DNA position 425, G replaced by A.
Protein change: p.Arg142His; replaces arginine 142 with histidine.
Molecular consequence: missense variant.
Genome position (GRCh38, 1-based): chr5:93,585,448, G>A. VCF-style: chr5-93585448-G-A. GRCh37 (hg19) VCF-style: chr5-92921154-G-A.
Other names: short protein forms R142H.
Identifiers: ClinVar variation 520777 (VCV000520777.6), dbSNP rs1554074684, ClinGen allele CA360526263.

ClinVar aggregate classification (germline): Pathogenic/Likely pathogenic. Review status: criteria provided, multiple submitters, no conflicts (2 of 4 stars). 3 submissions from 3 submitters: Pathogenic (2); Likely pathogenic (1). Last evaluated 2022-03-16.

Conditions:
Bosch-Boonstra-Schaaf optic atrophy syndrome (BBSOAS). Also called: NR2F1-Related Neurodevelopmental Disorder. Identifiers: Orphanet 401777, MedGen C3810363, MONDO:0014320, OMIM 615722.
Inborn genetic diseases. Identifiers: MedGen C0950123, MeSH D030342.

Submissions (3):

GeneDx
Classification: Pathogenic. Last evaluated: 2022-03-16. Review status: criteria provided, single submitter. Criteria: GeneDx Variant Classification Process June 2021. Collection method: clinical testing. Allele origin: germline. Affected: yes.
Comment: In silico analysis supports that this missense variant has a deleterious effect on protein structure/function; Not observed at significant frequency in large population cohorts (gnomAD); This variant is associated with the following publications: (PMID: 26986877, 32484994)

Equipe Genetique des Anomalies du Developpement, Université de Bourgogne
Classification: Likely pathogenic for Bosch-Boonstra-Schaaf optic atrophy syndrome. Last evaluated: 2017-08-04. Review status: criteria provided, single submitter. Criteria: ACMG Guidelines, 2015. Collection method: clinical testing. Allele origin: de novo. Affected: yes. Study: Clinvar_gadteam_Clinical_exome_analysis_3.

Ambry Genetics
Classification: Pathogenic for Inborn genetic diseases. Last evaluated: 2015-09-18. Review status: criteria provided, single submitter. Criteria: Ambry exome assertion method (8-5-2015). Collection method: clinical testing. Allele origin: germline. Affected: yes. Observed: 1 variant allele.